The following is an entry in ClinVar:

NM_004859.4(CLTC):c.1947+5T>C

Gene: CLTC (clathrin heavy chain; plus strand). Cytogenetic location: 17q23.1.
Variant type: single nucleotide variant.
Coding change: c.1947+5T>C on transcript NM_004859.4 (MANE Select); 5 bases into the intron after coding-DNA position 1947, T replaced by C.
Molecular consequence: intron variant.
Genome position (GRCh38, 1-based): chr17:59,666,649, T>C. VCF-style: chr17-59666649-T-C. GRCh37 (hg19) VCF-style: chr17-57744010-T-C.
Other names: c.1959+5T>C (NM_001288653.2).
Identifiers: ClinVar variation 1998076 (VCV001998076.4), dbSNP rs2509384337, ClinGen allele CA2580094379.
Genomic context (GRCh38, chr17:59,666,649, plus strand): 5'-CTGATTTATATGATATAAAACGTGCAGTGGTTCACACCCATCTTCTTAACCCTGAGGTAT[T>C]TCAGTTTCTTACCTAATAGATGGTGTTAGTTGTGATTAATAGGTACACTGAAAATGTGTT-3'

ClinVar aggregate classification (germline): Uncertain significance (1 of 4 stars; one submission).

Submission:

Labcorp Genetics (formerly Invitae), Labcorp
Classification: Uncertain significance. Last evaluated: 2024-10-16. Review status: criteria provided, single submitter. Criteria: Invitae Variant Classification Sherloc (09022015). Collection method: clinical testing. Allele origin: germline.
Comment: This sequence change falls in intron 12 of the CLTC gene. It does not directly change the encoded amino acid sequence of the CLTC protein. It affects a nucleotide within the consensus splice site. This variant is not present in population databases (gnomAD no frequency). This variant has not been reported in the literature in individuals affected with CLTC-related conditions. ClinVar contains an entry for this variant (Variation ID: 1998076). Variants that disrupt the consensus splice site are a relatively common cause of aberrant splicing (PMID: 17576681, 9536098). Algorithms developed to predict the effect of sequence changes on RNA splicing suggest that this variant is not likely to affect RNA splicing. In summary, the available evidence is currently insufficient to determine the role of this variant in disease. Therefore, it has been classified as a Variant of Uncertain Significance.

Literature cited by the submitters: PubMed 17576681; PubMed 9536098.